The following is an entry in ClinVar:

ClinVar aggregate classification (germline): Uncertain significance (1 of 4 stars; one submission).

Conditions:
Jeune thoracic dystrophy. Also called: Jeune syndrome; Infantile thoracic dystrophy; Thoracic pelvic phalangeal dystrophy; Jeune's syndrome; Chondroectodermal dysplasia-like syndrome; Short-rib thoracic dysplasia. Identifiers: Orphanet 474, MedGen C0265275, MONDO:0018770.
Nephronophthisis. Also called: Juvenile Nephronophthisis. Identifiers: Orphanet 655, MedGen C0687120, MONDO:0019005, HP:0000090.

gnomAD v4.1: 11 of 1,613,810 alleles (0.00068%); highest among the groups gnomAD compares: Non-Finnish European, 0.00093%; no homozygotes.

Submission:

Labcorp Genetics (formerly Invitae), Labcorp
Classification: Uncertain significance for Jeune thoracic dystrophy; Nephronophthisis. Last evaluated: 2025-11-24. Review status: criteria provided, single submitter. Criteria: Invitae Variant Classification Sherloc (09022015). Collection method: clinical testing. Allele origin: germline.
Comment: This sequence change replaces isoleucine, which is neutral and non-polar, with valine, which is neutral and non-polar, at codon 478 of the TTC21B protein (p.Ile478Val). This variant is present in population databases (no rsID available, gnomAD 0.0009%). This variant has not been reported in the literature in individuals affected with TTC21B-related conditions. ClinVar contains an entry for this variant (Variation ID: 1023947). Invitae Evidence Modeling of protein sequence and biophysical properties (such as structural, functional, and spatial information, amino acid conservation, physicochemical variation, residue mobility, and thermodynamic stability) indicates that this missense variant is not expected to disrupt TTC21B protein function with a negative predictive value of 95%. In summary, the available evidence is currently insufficient to determine the role of this variant in disease. Therefore, it has been classified as a Variant of Uncertain Significance.

NM_024753.5(TTC21B):c.1432A>G (p.Ile478Val)

Gene: TTC21B (tetratricopeptide repeat domain 21B; minus strand). Cytogenetic location: 2q24.3.
Variant type: single nucleotide variant.
Coding change: c.1432A>G on transcript NM_024753.5 (MANE Select); coding-DNA position 1432, A replaced by G.
Protein change: p.Ile478Val; replaces isoleucine 478 with valine.
Molecular consequence: missense variant.
Genome position (GRCh38, 1-based): chr2:165,924,633, T>C on the plus strand (A>G on the coding strand, the complement: TTC21B is on the minus strand). VCF-style: chr2-165924633-T-C. GRCh37 (hg19) VCF-style: chr2-166781143-T-C.
Other names: short protein forms I478V.
Identifiers: ClinVar variation 1023947 (VCV001023947.6), dbSNP rs948455096, ClinGen allele CA349062340.